The following is an entry in ClinVar:

ClinVar aggregate classification (germline): Uncertain significance (1 of 4 stars; one submission).

gnomAD v4.1: 5 of 1,613,104 alleles (0.00031%); highest among the groups gnomAD compares: Non-Finnish European, 0.00042%; no homozygotes.

Submission:

Labcorp Genetics (formerly Invitae), Labcorp
Classification: Uncertain significance. Last evaluated: 2025-08-20. Review status: criteria provided, single submitter. Criteria: Invitae Variant Classification Sherloc (09022015). Collection method: clinical testing. Allele origin: germline.
Comment: This sequence change falls in intron 21 of the SETD5 gene. It does not directly change the encoded amino acid sequence of the SETD5 protein. It affects a nucleotide within the consensus splice site. This variant is present in population databases (no rsID available, gnomAD 0.002%). This variant has not been reported in the literature in individuals affected with SETD5-related conditions. Variants that disrupt the consensus splice site are a relatively common cause of aberrant splicing (PMID: 17576681, 9536098). Algorithms developed to predict the effect of sequence changes on RNA splicing suggest that this variant is not likely to affect RNA splicing. In summary, the available evidence is currently insufficient to determine the role of this variant in disease. Therefore, it has been classified as a Variant of Uncertain Significance.

Literature cited by the submitters: PubMed 17576681; PubMed 9536098.

NM_001080517.3(SETD5):c.3631+6C>T

Gene: SETD5 (SET domain containing 5; plus strand). Cytogenetic location: 3p25.3.
Variant type: single nucleotide variant.
Coding change: c.3631+6C>T on transcript NM_001080517.3 (MANE Select); 6 bases into the intron after coding-DNA position 3631, C replaced by T.
Molecular consequence: intron variant.
Genome position (GRCh38, 1-based): chr3:9,474,588, C>T. VCF-style: chr3-9474588-C-T. GRCh37 (hg19) VCF-style: chr3-9516272-C-T.
Other names: c.3688+6C>T (NM_001437643.1); c.3337+6C>T (NM_001349451.2, NM_001292043.2); c.3727+6C>T (NM_001437633.1); c.3745+6C>T (NM_001437635.1); c.3670+6C>T (NM_001437701.1).
Identifiers: ClinVar variation 4771468 (VCV004771468.1).
Genomic context (GRCh38, chr3:9,474,588, plus strand): 5'-CAAAAGGGAGAGCCCTCTCCCACATGGGAGAGTAACATCACAGAGAAAGACTCAGGTGAG[C>T]CCATGGCCTTCTGCTGCCACCACATTCAGGGACACATGAGCCGAGTCCTGTACAGTTCAT-3'